The following is an entry in ClinVar:

ClinVar aggregate classification (germline): Uncertain significance. Review status: criteria provided, multiple submitters, no conflicts (2 of 4 stars). 2 submissions from 2 submitters: Uncertain significance (2). Last evaluated 2024-12-17.

Conditions:
Inborn genetic diseases. Identifiers: MedGen C0950123, MeSH D030342.

Allele frequency attached by ClinVar (database versions not stated): ExAC 0.00003; TOPMed 0.00006; gnomAD 0.00008; gnomAD exomes 0.00009.
gnomAD v4.1: 164 of 1,613,962 alleles (0.01%); highest among the groups gnomAD compares: Non-Finnish European, 0.012%; no homozygotes.

Submissions (2):

Labcorp Genetics (formerly Invitae), Labcorp
Classification: Uncertain significance. Last evaluated: 2024-12-17. Review status: criteria provided, single submitter. Criteria: Invitae Variant Classification Sherloc (09022015). Collection method: clinical testing. Allele origin: germline.
Comment: This sequence change replaces aspartic acid, which is acidic and polar, with valine, which is neutral and non-polar, at codon 1405 of the LRP6 protein (p.Asp1405Val). This variant is present in population databases (rs753356777, gnomAD 0.007%). This variant has not been reported in the literature in individuals affected with LRP6-related conditions. ClinVar contains an entry for this variant (Variation ID: 3120328). Invitae Evidence Modeling of protein sequence and biophysical properties (such as structural, functional, and spatial information, amino acid conservation, physicochemical variation, residue mobility, and thermodynamic stability) indicates that this missense variant is not expected to disrupt LRP6 protein function with a negative predictive value of 80%. In summary, the available evidence is currently insufficient to determine the role of this variant in disease. Therefore, it has been classified as a Variant of Uncertain Significance.

Ambry Genetics
Classification: Uncertain significance for Inborn genetic diseases. Last evaluated: 2023-09-20. Review status: criteria provided, single submitter. Criteria: Ambry Variant Classification Scheme 2023. Collection method: clinical testing. Allele origin: germline.

NM_002336.3(LRP6):c.4214A>T (p.Asp1405Val)

Gene: LRP6 (LDL receptor related protein 6; minus strand). Cytogenetic location: 12p13.2.
Variant type: single nucleotide variant.
Coding change: c.4214A>T on transcript NM_002336.3 (MANE Select); coding-DNA position 4214, A replaced by T.
Protein change: p.Asp1405Val; replaces aspartic acid 1405 with valine.
Molecular consequence: missense variant. On other transcripts: non-coding transcript variant (1).
Genome position (GRCh38, 1-based): chr12:12,126,789, T>A on the plus strand (A>T on the coding strand, the complement: LRP6 is on the minus strand). VCF-style: chr12-12126789-T-A. GRCh37 (hg19) VCF-style: chr12-12279723-T-A.
Other names: c.4307A>T, p.Asp1436Val (NM_001414244.1); c.4214A>T, p.Asp1405Val (NM_001414245.1, NM_001414248.1, NM_001414249.1 and 1 more transcripts); c.4079A>T, p.Asp1360Val (NM_001414246.1); c.4016A>T, p.Asp1339Val (NM_001414247.1); c.3851A>T, p.Asp1284Val (NM_001414251.1); c.3761A>T, p.Asp1254Val (NM_001414252.1, NM_001414253.1, NM_001414254.1); c.3707A>T, p.Asp1236Val (NM_001414255.1); short protein forms D1284V, D1405V, D1236V, D1254V, D1339V, D1360V, D1436V.
Identifiers: ClinVar variation 3120328 (VCV003120328.3), dbSNP rs753356777, ClinGen allele CA6455017.